The following is an entry in ClinVar:

ClinVar aggregate classification (germline): Likely benign. Review status: criteria provided, multiple submitters, no conflicts (2 of 4 stars). 3 submissions from 3 submitters: Likely benign (3). Last evaluated 2025-05-16.

Conditions:
Hereditary cancer-predisposing syndrome. Also called: Tumor predisposition; Neoplastic Syndromes, Hereditary; Hereditary Cancer Syndrome; Hereditary neoplastic syndrome. Identifiers: Orphanet 140162, MedGen C0027672, MeSH D009386, MONDO:0015356.
Familial cancer of breast. Also called: Hereditary breast cancer; BREAST CANCER, FAMILIAL; hereditary breast carcinoma. Identifiers: Orphanet 227535, MedGen C0346153, MONDO:0016419, OMIM 114480. Disease mechanism: loss of function.
Ataxia-telangiectasia syndrome (AT). Also called: Ataxia-telangiectasia; Cerebello-oculocutaneous telangiectasia; Immunodeficiency with ataxia telangiectasia; ATAXIA-TELANGIECTASIA, COMPLEMENTATION GROUP A; ATAXIA-TELANGIECTASIA, FRESNO VARIANT; Ataxia-telangiectasia, complementation group D. Identifiers: Orphanet 100, MedGen C0004135, MONDO:0008840, OMIM 208900.

Submissions (3):

Ambry Genetics
Classification: Likely benign for Hereditary cancer-predisposing syndrome. Last evaluated: 2025-05-16. Review status: criteria provided, single submitter. Criteria: Ambry Variant Classification Scheme 2023. Collection method: clinical testing. Allele origin: germline.

Myriad Genetics, Inc.
Classification: Likely benign for Familial cancer of breast. Last evaluated: 2024-05-16. Review status: criteria provided, single submitter. Criteria: Myriad Autosomal Dominant, Autosomal Recessive and X-Linked Classification Criteria (2023). Collection method: clinical testing. Allele origin: unknown.
Comment: This variant is considered likely benign. This variant is intronic and is not expected to impact mRNA splicing.

Labcorp Genetics (formerly Invitae), Labcorp
Classification: Likely benign for Ataxia-telangiectasia syndrome. Last evaluated: 2024-01-27. Review status: criteria provided, single submitter. Criteria: Invitae Variant Classification Sherloc (09022015). Collection method: clinical testing. Allele origin: germline.

NM_000051.4(ATM):c.3994-4G>C

Gene: ATM (ATM serine/threonine kinase; plus strand). Cytogenetic location: 11q22.3.
Variant type: single nucleotide variant.
Coding change: c.3994-4G>C on transcript NM_000051.4 (MANE Select); 4 bases into the intron before coding-DNA position 3994, G replaced by C.
Molecular consequence: intron variant.
Genome position (GRCh38, 1-based): chr11:108,287,596, G>C. VCF-style: chr11-108287596-G-C. GRCh37 (hg19) VCF-style: chr11-108158323-G-C.
Other names: c.3994-4G>C (NM_001351834.2).
Identifiers: ClinVar variation 414525 (VCV000414525.13), dbSNP rs1060504259, ClinGen allele CA16613133.